The following is an entry in ClinVar:

NM_012120.3(CD2AP):c.165+13A>G

Gene: CD2AP (CD2 associated protein; plus strand). Cytogenetic location: 6p12.3.
Variant type: single nucleotide variant.
Coding change: c.165+13A>G on transcript NM_012120.3 (MANE Select); 13 bases into the intron after coding-DNA position 165, A replaced by G.
Molecular consequence: intron variant.
Genome position (GRCh38, 1-based): chr6:47,503,453, A>G. VCF-style: chr6-47503453-A-G. GRCh37 (hg19) VCF-style: chr6-47471189-A-G.
Identifiers: ClinVar variation 911541 (VCV000911541.12), dbSNP rs368408367, ClinGen allele CA3843903.
Genomic context (GRCh38, chr6:47,503,453, plus strand): 5'-GGAGAACTAAATGGGAGAAGAGGAATGTTCCCTGACAATTTCGTTAAGGTAAGTATTTTC[A>G]GTTAAATTTCTAGCTCTTGCTTCATAGGATTTAATCTTTAAATGTTAAGAAATAGATATA-3'

ClinVar aggregate classification (germline): Benign/Likely benign. Review status: criteria provided, multiple submitters, no conflicts (2 of 4 stars). 2 submissions from 2 submitters: Benign (1); Likely benign (1). Last evaluated 2025-10-11.

Conditions:
Focal segmental glomerulosclerosis 3, susceptibility to (FSGS3). Identifiers: Orphanet 656, MedGen C1842982, MONDO:0011917, OMIM 607832.

Allele frequency attached by ClinVar (database versions not stated): TOPMed 0.00018; ExAC 0.00021; gnomAD 0.00023 and 0.00024; gnomAD exomes 0.00024; ESP Exome Variant Server 0.00085.
gnomAD v4.1: 640 of 1,608,800 alleles (0.04%); highest among the groups gnomAD compares: Non-Finnish European, 0.05%; no homozygotes.

Submissions (2):

Labcorp Genetics (formerly Invitae), Labcorp
Classification: Likely benign. Last evaluated: 2025-10-11. Review status: criteria provided, single submitter. Criteria: Invitae Variant Classification Sherloc (09022015). Collection method: clinical testing. Allele origin: germline.

Illumina Laboratory Services, Illumina
Classification: Benign for Focal segmental glomerulosclerosis 3, susceptibility to. Last evaluated: 2018-01-12. Review status: criteria provided, single submitter. Criteria: ICSL Variant Classification Criteria 13 December 2019. Collection method: clinical testing. Allele origin: germline.
Comment: This variant was observed in the ICSL laboratory as part of a predisposition screen in an ostensibly healthy population. It had not been previously curated by ICSL or reported in the Human Gene Mutation Database (HGMD: prior to June 1st, 2018), and was therefore a candidate for classification through an automated scoring system. Utilizing variant allele frequency, disease prevalence and penetrance estimates, and inheritance mode, an automated score was calculated to assess if this variant is too frequent to cause the disease. Based on the score and internal cut-off values, a variant classified as benign is not then subjected to further curation. The score for this variant resulted in a classification of benign for this disease.